The following is an entry in ClinVar:

NM_001323289.2(CDKL5):c.-163+10C>T

Gene: CDKL5 (cyclin dependent kinase like 5; plus strand). Cytogenetic location: Xp22.13.
Variant type: single nucleotide variant.
Coding change: c.-163+10C>T on transcript NM_001323289.2 (MANE Select); 10 bases into the intron after 163 bases upstream of the start codon, C replaced by T.
Molecular consequence: intron variant.
Genome position (GRCh38, 1-based): chrX:18,425,705, C>T. VCF-style: chrX-18425705-C-T. GRCh37 (hg19) VCF-style: chrX-18443825-C-T.
Other names: c.-163+10C>T (NM_003159.3).
Identifiers: ClinVar variation 379053 (VCV000379053.1), dbSNP rs1057520478, ClinGen allele CA16608791.

ClinVar aggregate classification (germline): Likely benign (1 of 4 stars; one submission).

Submission:

GeneDx
Classification: Likely benign. Last evaluated: 2016-07-07. Review status: criteria provided, single submitter. Criteria: GeneDx Variant Classification (06012015). Collection method: clinical testing. Allele origin: germline. Affected: yes.
Comment: This variant is considered likely benign or benign based on one or more of the following criteria: it is a conservative change, it occurs at a poorly conserved position in the protein, it is predicted to be benign by multiple in silico algorithms, and/or has population frequency not consistent with disease.